The following is an entry in ClinVar:

NM_012388.4(BLOC1S6):c.319_320delinsAT (p.Glu107Met)

Gene: BLOC1S6 (biogenesis of lysosomal organelles complex 1 subunit 6; plus strand). Cytogenetic location: 15q21.1.
Variant type: Indel.
Coding change: c.319_320delinsAT on transcript NM_012388.4 (MANE Select); coding-DNA positions 319 to 320, GA replaced by AT.
Protein change: p.Glu107Met; replaces glutamic acid 107 with methionine.
Molecular consequence: missense variant. On other transcripts: non-coding transcript variant (9).
Genome position (GRCh38, 1-based): chr15:45,605,434-45,605,435, GA replaced by AT. VCF-style: chr15-45605434-GA-AT. GRCh37 (hg19) VCF-style: chr15-45897632-GA-AT.
Other names: c.334_335delinsAT, p.Glu112Met (NM_001311255.1); c.246_247delinsAT, p.Arg83Trp (NM_001311256.1); c.319_320delGAinsAT (NM_012388.3); short protein forms R83W, E107M, E112M.
Identifiers: ClinVar variation 827679 (VCV000827679.4), dbSNP rs1595560288, ClinGen allele CA915946571.
Genomic context (GRCh38, chr15:45,605,434, plus strand): 5'-TTTGATATTTTAGTCTATTTTAACTTGACTTTTCATTTATTTTTCCATGTTAAGTTTGCT[GA>AT]GGCTAAACACTATCATGCCAAGTTGGTGAATATAAGAAAAGAGATGCTGATGCTTCATGA-3'
Protein context (NP_036520.1, residues 97-117): SMLDINALFA[Glu107Met]AKHYHAKLVN

ClinVar aggregate classification (germline): Likely pathogenic. Review status: criteria provided, single submitter (1 of 4 stars). 2 submissions from 2 submitters: Likely pathogenic (1). 1 of the submissions does not count toward it. Last evaluated 2020-02-20.

Conditions:
Hermansky-Pudlak syndrome 9 (HPS9). Identifiers: Orphanet 280663, Orphanet 79430, MedGen C3280026, MONDO:0013606, OMIM 614171.

Submissions (2):

Laboratoire de Génétique Moléculaire, CHU Bordeaux
Classification: Likely pathogenic for Hermansky-Pudlak syndrome 9. Last evaluated: 2020-02-20. Review status: criteria provided, single submitter. Criteria: ACMG Guidelines, 2015. Collection method: clinical testing. Allele origin: germline. Inheritance: Autosomal recessive inheritance. Affected: yes. Observed: 1 compound heterozygote.
Comment: Variant in trans of another variant classified Likely Pathogenic upon ACMG classification.

OMIM
Classification: Pathogenic for HERMANSKY-PUDLAK SYNDROME 9. Last evaluated: 2024-08-06. Review status: no assertion criteria provided. Collection method: literature only. Allele origin: germline. Not counted in ClinVar's aggregate classification.

Literature cited by the submitters: PubMed 32245340 (cited by OMIM).